The following is an entry in ClinVar:

ClinVar aggregate classification (germline): Benign (0 of 4 stars; one submission).

Conditions:
EP400-related disorder. Also called: EP400-related condition.

Allele frequency attached by ClinVar (database versions not stated): ESP Exome Variant Server 0.00015; gnomAD 0.00134; TOPMed 0.00135; ExAC 0.00246; 1000 Genomes Project 30x 0.00312; 1000 Genomes Project 0.00359.
gnomAD v4.1: 1,477 of 1,613,572 alleles (0.092%); highest among the groups gnomAD compares: East Asian, 2.1%; 16 homozygotes.

Submission:

PreventionGenetics, part of Exact Sciences
Classification: Benign for EP400-related condition. Last evaluated: 2019-10-28. Review status: no assertion criteria provided. Collection method: clinical testing. Allele origin: germline.
Comment: This variant is classified as benign based on ACMG/AMP sequence variant interpretation guidelines (Richards et al. 2015 PMID: 25741868, with internal and published modifications).

NM_015409.5(EP400):c.8391G>A (p.Pro2797=)

Gene: EP400 (E1A binding protein p400; plus strand). Cytogenetic location: 12q24.33.
Variant type: single nucleotide variant.
Coding change: c.8391G>A on transcript NM_015409.5 (MANE Select); coding-DNA position 8391, G replaced by A.
Protein change: p.Pro2797=; no amino-acid change (proline 2797 retained).
Molecular consequence: synonymous variant.
Genome position (GRCh38, 1-based): chr12:132,064,724, G>A. VCF-style: chr12-132064724-G-A. GRCh37 (hg19) VCF-style: chr12-132549269-G-A.
Identifiers: ClinVar variation 3039919 (VCV003039919.2), dbSNP rs144085795, ClinGen allele CA6887172.